The following is an entry in ClinVar:

ClinVar aggregate classification (germline): Uncertain significance (1 of 4 stars; one submission).

Conditions:
Developmental and epileptic encephalopathy, 12 (DEE12). Identifiers: MedGen C3150988, MONDO:0013389, OMIM 613722.

Allele frequency attached by ClinVar (database versions not stated): gnomAD exomes below 0.00001; gnomAD 0.00003 and 0.00004; TOPMed 0.00003.
gnomAD v4.1: 5 of 1,613,952 alleles (0.00031%); highest among the groups gnomAD compares: African/African-American, 0.0067%; no homozygotes.

Submission:

Labcorp Genetics (formerly Invitae), Labcorp
Classification: Uncertain significance for Developmental and epileptic encephalopathy, 12. Last evaluated: 2024-11-04. Review status: criteria provided, single submitter. Criteria: Invitae Variant Classification Sherloc (09022015). Collection method: clinical testing. Allele origin: germline.
Comment: This sequence change replaces histidine, which is basic and polar, with tyrosine, which is neutral and polar, at codon 116 of the PLCB1 protein (p.His116Tyr). This variant is present in population databases (no rsID available, gnomAD 0.008%). This variant has not been reported in the literature in individuals affected with PLCB1-related conditions. ClinVar contains an entry for this variant (Variation ID: 998909). Invitae Evidence Modeling of protein sequence and biophysical properties (such as structural, functional, and spatial information, amino acid conservation, physicochemical variation, residue mobility, and thermodynamic stability) indicates that this missense variant is not expected to disrupt PLCB1 protein function with a negative predictive value of 80%. In summary, the available evidence is currently insufficient to determine the role of this variant in disease. Therefore, it has been classified as a Variant of Uncertain Significance.

NM_015192.4(PLCB1):c.346C>T (p.His116Tyr)

Gene: PLCB1 (phospholipase C beta 1; plus strand). Cytogenetic location: 20p12.3.
Variant type: single nucleotide variant.
Coding change: c.346C>T on transcript NM_015192.4 (MANE Select); coding-DNA position 346, C replaced by T.
Protein change: p.His116Tyr; replaces histidine 116 with tyrosine.
Molecular consequence: missense variant.
Genome position (GRCh38, 1-based): chr20:8,628,393, C>T. VCF-style: chr20-8628393-C-T. GRCh37 (hg19) VCF-style: chr20-8609040-C-T.
Other names: c.346C>T, p.His116Tyr (NM_182734.3); short protein forms H116Y.
Identifiers: ClinVar variation 998909 (VCV000998909.8), dbSNP rs1018596939, ClinGen allele CA311672845.